The following is an entry in ClinVar:

ClinVar aggregate classification (germline): Pathogenic (1 of 4 stars; one submission).

Conditions:
Cobalamin C disease. Also called: Methylmalonic aciduria and homocystinuria, Vitamin B12-responsive; Vitamin B12 metabolic defect with combined deficiency of methylmalonyl-CoA mutase and homocysteine:methyltetrahydrofolate methyltransferase; methylmalonic aciduria and homocystinuria type cblC; Cobalamin-C methylmalonic acidemia and homocystinuria; Methylmalonic acidemia and homocystinuria cblC type; Methylmalonic aciduria with homocystinuria cblC type. Identifiers: Orphanet 26, Orphanet 79282, MedGen C1848561, MONDO:0010184, OMIM 277400.

Submission:

Labcorp Genetics (formerly Invitae), Labcorp
Classification: Pathogenic for Cobalamin C disease. Last evaluated: 2023-02-10. Review status: criteria provided, single submitter. Criteria: Invitae Variant Classification Sherloc (09022015). Collection method: clinical testing. Allele origin: germline.
Comment: For these reasons, this variant has been classified as Pathogenic. Algorithms developed to predict the effect of sequence changes on RNA splicing suggest that this variant may disrupt the consensus splice site. This variant has not been reported in the literature in individuals affected with MMACHC-related conditions. This variant is not present in population databases (gnomAD no frequency). This sequence change creates a premature translational stop signal (p.Val28Trpfs*48) in the MMACHC gene. It is expected to result in an absent or disrupted protein product. Loss-of-function variants in MMACHC are known to be pathogenic (PMID: 16311595).

Literature cited by the submitters: PubMed 16311595.

NM_001330540.2(MMACHC):c.-90del

Gene: MMACHC (metabolism of cobalamin associated C; plus strand). Cytogenetic location: 1p34.1.
Variant type: Deletion.
Coding change: c.-90del on transcript NM_001330540.2; 90 bases upstream of the start codon, one base deleted (G; older notation c.-90delG).
Molecular consequence: 5 prime UTR variant.
Genome position (GRCh38, 1-based): chr1:45,507,356, G deleted; the last of 2 consecutive G bases (chr1:45,507,355-45,507,356); deleting either gives the same sequence. VCF-style (leftmost placement, unchanged base first): chr1-45507354-AG-A. GRCh37 (hg19) VCF-style: chr1-45973026-AG-A.
Identifiers: ClinVar variation 2909136 (VCV002909136.3), dbSNP rs2522819783, ClinGen allele CA2739272539.